The following is an entry in ClinVar:

NM_003972.3(BTAF1):c.5121C>T (p.His1707=)

Gene: BTAF1 (B-TFIID TATA-box binding protein associated factor 1; plus strand). Cytogenetic location: 10q23.32.
Variant type: single nucleotide variant.
Coding change: c.5121C>T on transcript NM_003972.3 (MANE Select); coding-DNA position 5121, C replaced by T.
Protein change: p.His1707=; no amino-acid change (histidine 1707 retained).
Molecular consequence: synonymous variant. On other transcripts: non-coding transcript variant (14).
Genome position (GRCh38, 1-based): chr10:92,026,637, C>T. VCF-style: chr10-92026637-C-T. GRCh37 (hg19) VCF-style: chr10-93786394-C-T.
Identifiers: ClinVar variation 2640676 (VCV002640676.24), dbSNP rs148131738, ClinGen allele CA5602315.

ClinVar aggregate classification (germline): Likely benign (1 of 4 stars; one submission).

Allele frequency attached by ClinVar (database versions not stated): 1000 Genomes Project 30x 0.00047; 1000 Genomes Project 0.00060; ESP Exome Variant Server 0.00115; TOPMed 0.00144; ExAC 0.00160; gnomAD 0.00167; gnomAD exomes 0.00194.
gnomAD v4.1: 3,082 of 1,613,820 alleles (0.19%); highest among the groups gnomAD compares: Non-Finnish European, 0.2%; 10 homozygotes.

Submission:

CeGaT Center for Human Genetics Tuebingen
Classification: Likely benign. Last evaluated: 2022-10-01. Review status: criteria provided, single submitter. Criteria: CeGaT Center For Human Genetics Tuebingen Variant Classification Criteria Version 2. Collection method: clinical testing. Allele origin: germline. Affected: yes. Observed: 1 variant allele.
Comment: BTAF1: BP4, BP7